The following is an entry in ClinVar:

NM_020843.4(SCAPER):c.2531A>G (p.Tyr844Cys)

Gene: SCAPER (S-phase cyclin A associated protein in the ER; minus strand). Cytogenetic location: 15q24.3.
Variant type: single nucleotide variant.
Coding change: c.2531A>G on transcript NM_020843.4 (MANE Select); coding-DNA position 2531, A replaced by G.
Protein change: p.Tyr844Cys; replaces tyrosine 844 with cysteine.
Molecular consequence: missense variant. On other transcripts: non-coding transcript variant (1).
Genome position (GRCh38, 1-based): chr15:76,665,767, T>C on the plus strand (A>G on the coding strand, the complement: SCAPER is on the minus strand). VCF-style: chr15-76665767-T-C. GRCh37 (hg19) VCF-style: chr15-76958108-T-C.
Other names: c.1793A>G, p.Tyr598Cys (NM_001145923.2); c.2549A>G, p.Tyr850Cys (NM_001353009.2); c.2129A>G, p.Tyr710Cys (NM_001353010.2, NM_001353012.2); c.2147A>G, p.Tyr716Cys (NM_001353011.2); short protein forms Y844C, Y598C, Y710C, Y716C, Y850C.
Identifiers: ClinVar variation 5000697 (VCV005000697.1).
Genomic context (GRCh38, chr15:76,665,767, plus strand): 5'-TCTTCTCCATCTTTCAAAGCTTCTGCTGGAGCTGTACTTTCAACCACAATGTCAATAATG[T>C]ACTTCTTCAAGGAAAGATGCTCCTGCAAGATAAATAAATAAAATAATAATAATGAGGATG-3'
Protein context (NP_065894.2, residues 834-854): EEVEHLSLKK[Tyr844Cys]IIDIVVESTA

ClinVar aggregate classification (germline): Uncertain significance (1 of 4 stars; one submission).

Conditions:
SCAPER-related disorder. Also called: SCAPER-related condition.

Submission:

PreventionGenetics, part of Exact Sciences
Classification: Uncertain significance for SCAPER-related condition. Last evaluated: 2025-08-04. Review status: criteria provided, single submitter. Criteria: ACMG Guidelines, 2015. Collection method: clinical testing. Allele origin: germline.
Comment: The SCAPER c.2549A>G variant is predicted to result in the amino acid substitution p.Tyr850Cys. To our knowledge, this variant has not been reported in the literature or in a large population database (gnomAD), indicating this variant is rare. At this time, the clinical significance of this variant is uncertain due to the absence of conclusive functional and genetic evidence.